The following is an entry in ClinVar:

NM_001365951.3(KIF1B):c.3314A>G (p.Glu1105Gly)

Gene: KIF1B (kinesin family member 1B; plus strand). Cytogenetic location: 1p36.22.
Variant type: single nucleotide variant.
Coding change: c.3314A>G on transcript NM_001365951.3 (MANE Select); coding-DNA position 3314, A replaced by G.
Protein change: p.Glu1105Gly; replaces glutamic acid 1105 with glycine.
Molecular consequence: missense variant.
Genome position (GRCh38, 1-based): chr1:10,337,425, A>G. VCF-style: chr1-10337425-A-G. GRCh37 (hg19) VCF-style: chr1-10397483-A-G.
Other names: c.3314A>G, p.Glu1105Gly (NM_001365952.1); c.3176A>G, p.Glu1059Gly (NM_015074.3); short protein forms E1059G, E1105G.
Identifiers: ClinVar variation 3226441 (VCV003226441.1), dbSNP rs2521721717, ClinGen allele CA338340441.

ClinVar aggregate classification (germline): Uncertain significance (1 of 4 stars; one submission).

Submission:

Ambry Genetics
Classification: Uncertain significance. Last evaluated: 2023-10-27. Review status: criteria provided, single submitter. Criteria: Ambry Variant Classification Scheme 2023. Collection method: clinical testing. Allele origin: germline.
Comment: The p.E1059G variant (also known as c.3176A>G), located in coding exon 28 of the KIF1B gene, results from an A to G substitution at nucleotide position 3176. The glutamic acid at codon 1059 is replaced by glycine, an amino acid with similar properties. This amino acid position is conserved. In addition, the in silico prediction for this alteration is inconclusive. Since supporting evidence is limited at this time, the clinical significance of this alteration remains unclear.